The following is an entry in ClinVar:

NM_032638.5(GATA2):c.653C>T (p.Thr218Met)

Gene: GATA2 (GATA binding protein 2; minus strand). Cytogenetic location: 3q21.3.
Variant type: single nucleotide variant.
Coding change: c.653C>T on transcript NM_032638.5 (MANE Select); coding-DNA position 653, C replaced by T.
Protein change: p.Thr218Met; replaces threonine 218 with methionine.
Molecular consequence: missense variant.
Genome position (GRCh38, 1-based): chr3:128,485,945, G>A on the plus strand (C>T on the coding strand, the complement: GATA2 is on the minus strand). VCF-style: chr3-128485945-G-A. GRCh37 (hg19) VCF-style: chr3-128204788-G-A.
Other names: c.653C>T, p.Thr218Met (NM_001145661.2, NM_001145662.1); c.653C>T (NM_032638.4); short protein forms T218M.
Identifiers: ClinVar variation 1387578 (VCV001387578.7), dbSNP rs2068690379, ClinGen allele CA354406326.

ClinVar aggregate classification (germline): Uncertain significance. Review status: criteria provided, multiple submitters, no conflicts (2 of 4 stars). 2 submissions from 2 submitters: Uncertain significance (2). Last evaluated 2026-01-13.

Conditions:
Inborn genetic diseases. Identifiers: MedGen C0950123, MeSH D030342.
Deafness-lymphedema-leukemia syndrome. Also called: Lymphedema, primary, with myelodysplasia; Emberger syndrome. Identifiers: Orphanet 3226, MedGen C3279664, MONDO:0013540, OMIM 614038.
Monocytopenia with susceptibility to infections. Also called: GATA2 DEFICIENCY; COMBINED IMMUNODEFICIENCY WITH SUSCEPTIBILITY TO MYCOBACTERIAL, VIRAL, AND FUNGAL INFECTIONS; Dendritic cell, monocyte, B lymphocyte, and natural killer lymphocyte deficiency; MONOCYTOPENIA AND MYCOBACTERIAL INFECTION SYNDROME; MONOCYTOPENIA WITH SUSCEPTIBILITY TO MYCOBACTERIAL, FUNGAL, AND PAPILLOMAVIRUS INFECTIONS AND MYELODYSPLASIA; IMMUNODEFICIENCY 21. Identifiers: Orphanet 228423, MedGen C3280030, MONDO:0013607, OMIM 614172.

gnomAD v4.1: 5 of 1,614,172 alleles (0.00031%); highest among the groups gnomAD compares: South Asian, 0.0011%; no homozygotes.

Submissions (2):

Ambry Genetics
Classification: Uncertain significance for Inborn genetic diseases. Last evaluated: 2026-01-13. Review status: criteria provided, single submitter. Criteria: Ambry Variant Classification Scheme 2023. Collection method: clinical testing. Allele origin: germline.
Comment: The p.T218M variant (also known as c.653C>T), located in coding exon 2 of the GATA2 gene, results from a C to T substitution at nucleotide position 653. The threonine at codon 218 is replaced by methionine, an amino acid with similar properties. This amino acid position is not well conserved in available vertebrate species. In addition, the in silico prediction for this alteration is inconclusive. Based on the available evidence, the clinical significance of this variant remains unclear.

Labcorp Genetics (formerly Invitae), Labcorp
Classification: Uncertain significance for Monocytopenia with susceptibility to infections; Deafness-lymphedema-leukemia syndrome. Last evaluated: 2021-10-13. Review status: criteria provided, single submitter. Criteria: Invitae Variant Classification Sherloc (09022015). Collection method: clinical testing. Allele origin: germline.
Comment: This variant has not been reported in the literature in individuals affected with GATA2-related conditions. This variant is not present in population databases (ExAC no frequency). This sequence change replaces threonine with methionine at codon 218 of the GATA2 protein (p.Thr218Met). The threonine residue is weakly conserved and there is a moderate physicochemical difference between threonine and methionine. Algorithms developed to predict the effect of missense changes on protein structure and function (SIFT, PolyPhen-2, Align-GVGD) all suggest that this variant is likely to be tolerated. In summary, the available evidence is currently insufficient to determine the role of this variant in disease. Therefore, it has been classified as a Variant of Uncertain Significance.